The following is an entry in ClinVar:

NM_181552.4(CUX1):c.123C>G (p.Phe41Leu)

Gene: CUX1 (cut like homeobox 1; plus strand). Cytogenetic location: 7q22.1.
Variant type: single nucleotide variant.
Coding change: c.123C>G on transcript NM_181552.4 (MANE Select); coding-DNA position 123, C replaced by G.
Protein change: p.Phe41Leu; replaces phenylalanine 41 with leucine.
Molecular consequence: missense variant. On other transcripts: intron variant (1).
Genome position (GRCh38, 1-based): chr7:101,916,207, C>G. VCF-style: chr7-101916207-C-G. GRCh37 (hg19) VCF-style: chr7-101559487-C-G.
Other names: c.156C>G, p.Phe52Leu (NM_001202543.2, NM_001202544.3, NM_001202545.3 and 2 more transcripts); c.63+100114C>G (NM_001202546.3); short protein forms F41L, F52L.
Identifiers: ClinVar variation 3368540 (VCV003368540.1).

ClinVar aggregate classification (germline): Uncertain significance (1 of 4 stars; one submission).

Submission:

GeneDx
Classification: Uncertain significance. Last evaluated: 2024-01-29. Review status: criteria provided, single submitter. Criteria: GeneDx Variant Classification Process June 2021. Collection method: clinical testing. Allele origin: germline. Affected: yes.
Comment: Not observed at significant frequency in large population cohorts (gnomAD); In silico analysis supports that this missense variant has a deleterious effect on protein structure/function; Has not been previously published as pathogenic or benign to our knowledge